The following is an entry in ClinVar:

ClinVar aggregate classification (germline): Uncertain significance (0 of 4 stars; one submission).

Submission:

Department of Pathology and Laboratory Medicine, Sinai Health System
Classification: Uncertain significance. Review status: no assertion criteria provided. Collection method: clinical testing. Allele origin: unknown. Affected: yes. Study: The Canadian Open Genetics Repository (COGR).
Comment: The ATM p.Tyr1763Ser variant was not identified in the literature nor was it identified in the dbSNP, ClinVar, GeneInsight-COGR, Cosmic, MutDB, LOVD 3.0, ATM-LOVD, databases. The variant was not identified in the 1000 Genomes Project, the NHLBI GO Exome Sequencing Project or the Exome Aggregation Consortium (August 8th 2016) control databases. The p.Tyr1763Ser residue is conserved across mammals and other organisms, and computational analyses (PolyPhen-2, SIFT, AlignGVGD, BLOSUM, MutationTaster) suggest that the variant may impact the protein; however, this information is not predictive enough to assume pathogenicity. The variant occurs outside of the splicing consensus sequence and 1 of 5 in silico or computational prediction software programs (SpliceSiteFinder, MaxEntScan, NNSPLICE, GeneSplicer, HumanSpliceFinder) predict a greater than 10% difference in splicing; this is not very predictive of pathogenicity. The variant is located with the Armadillo-type fold functional domain increasing the likelihood that it may have clinical significance. In summary, based on the above information the clinical significance of this variant cannot be determined with certainty at this time. This variant is classified as a variant of uncertain significance.

NM_000051.4(ATM):c.5288A>C (p.Tyr1763Ser)

Gene: ATM (ATM serine/threonine kinase; plus strand). Cytogenetic location: 11q22.3.
Variant type: single nucleotide variant.
Coding change: c.5288A>C on transcript NM_000051.4 (MANE Select); coding-DNA position 5288, A replaced by C.
Protein change: p.Tyr1763Ser; replaces tyrosine 1763 with serine.
Molecular consequence: missense variant.
Genome position (GRCh38, 1-based): chr11:108,301,758, A>C. VCF-style: chr11-108301758-A-C. GRCh37 (hg19) VCF-style: chr11-108172485-A-C.
Other names: c.5288A>C, p.Tyr1763Ser (NM_001351834.2); short protein forms Y1763S.
Identifiers: ClinVar variation 1048873 (VCV001048873.1), dbSNP rs1555105780, ClinGen allele CA382542675.